The following is an entry in ClinVar:

ClinVar aggregate classification (germline): Uncertain significance (1 of 4 stars; one submission).

Conditions:
Hypertrophic cardiomyopathy 1 (CMH1). Also called: MYH7-Related Familial Hypertrophic Cardiomyopathy; Familial hypertrophic cardiomyopathy 1. Identifiers: MedGen C3495498, MONDO:0008647, OMIM 192600.

Allele frequency attached by ClinVar (database versions not stated): ExAC 0.00001; gnomAD 0.00001; gnomAD exomes 0.00002.
gnomAD v4.1: 12 of 1,613,846 alleles (0.00074%); highest among the groups gnomAD compares: East Asian, 0.027%; no homozygotes.

Submission:

Labcorp Genetics (formerly Invitae), Labcorp
Classification: Uncertain significance for Hypertrophic cardiomyopathy 1. Last evaluated: 2023-11-01. Review status: criteria provided, single submitter. Criteria: Invitae Variant Classification Sherloc (09022015). Collection method: clinical testing. Allele origin: germline.
Comment: This sequence change replaces glycine, which is neutral and non-polar, with aspartic acid, which is acidic and polar, at codon 37 of the MYLK2 protein (p.Gly37Asp). This variant is present in population databases (rs779291493, gnomAD 0.006%). This variant has not been reported in the literature in individuals affected with MYLK2-related conditions. Algorithms developed to predict the effect of missense changes on protein structure and function output the following: SIFT: "Not Available"; PolyPhen-2: "Benign"; Align-GVGD: "Not Available". The aspartic acid amino acid residue is found in multiple mammalian species, which suggests that this missense change does not adversely affect protein function. In summary, the available evidence is currently insufficient to determine the role of this variant in disease. Therefore, it has been classified as a Variant of Uncertain Significance.

NM_033118.4(MYLK2):c.110G>A (p.Gly37Asp)

Gene: MYLK2 (myosin light chain kinase 2; plus strand). Cytogenetic location: 20q11.21.
Variant type: single nucleotide variant.
Coding change: c.110G>A on transcript NM_033118.4 (MANE Select); coding-DNA position 110, G replaced by A.
Protein change: p.Gly37Asp; replaces glycine 37 with aspartic acid.
Molecular consequence: missense variant.
Genome position (GRCh38, 1-based): chr20:31,820,183, G>A. VCF-style: chr20-31820183-G-A. GRCh37 (hg19) VCF-style: chr20-30407986-G-A.
Other names: short protein forms G37D.
Identifiers: ClinVar variation 2750570 (VCV002750570.3), dbSNP rs779291493, ClinGen allele CA9802843.